The following is an entry in ClinVar:

NM_002047.4(GARS1):c.598G>A (p.Asp200Asn)

Gene: GARS1 (glycyl-tRNA synthetase 1; plus strand). Cytogenetic location: 7p14.3.
Variant type: single nucleotide variant.
Coding change: c.598G>A on transcript NM_002047.4 (MANE Select); coding-DNA position 598, G replaced by A.
Protein change: p.Asp200Asn; replaces aspartic acid 200 with asparagine.
Molecular consequence: missense variant.
Genome position (GRCh38, 1-based): chr7:30,603,062, G>A. VCF-style: chr7-30603062-G-A. GRCh37 (hg19) VCF-style: chr7-30642678-G-A.
Other names: c.598G>A (LRG_243t1); c.436G>A, p.Asp146Asn (NM_001316772.1); short protein forms D200N, D146N.
Identifiers: ClinVar variation 637545 (VCV000637545.12), dbSNP rs1554337369, ClinGen allele CA367139707.
Genomic context (GRCh38, chr7:30,603,062, plus strand): 5'-ATGACAAATTGGGTTGGCATTTGTTAATTTAGGACCTCTGGCCATGTAGACAAATTTGCT[G>A]ACTTCATGGTGAAAGACGTAAAAAATGGAGAATGTTTTCGTGCTGACCATCTATTAAAAG-3'
Protein context (NP_002038.2, residues 190-210): KTSGHVDKFA[Asp200Asn]FMVKDVKNGE

ClinVar aggregate classification (germline): Pathogenic/Likely pathogenic. Review status: criteria provided, multiple submitters, no conflicts (2 of 4 stars). 4 submissions from 4 submitters: Pathogenic (1); Likely pathogenic (1). 2 of the submissions do not count toward it. Last evaluated 2025-10-06.

Conditions:
Neuronopathy, distal hereditary motor, type 5. Also called: Distal Hereditary Motor Neuropathy Type V (dHMN-V); HMN 5A; NEUROPATHY, DISTAL HEREDITARY MOTOR, HARDING TYPE VA; SPINAL MUSCULAR ATROPHY, DISTAL, HARDING TYPE VA; SPINAL MUSCULAR ATROPHY, DISTAL, HARDING TYPE V; NEURONOPATHY, DISTAL HEREDITARY MOTOR, HARDING TYPE VA. Identifiers: Orphanet 139536, MedGen C1833308, MONDO:0100350.
Charcot-Marie-Tooth disease. Also called: Charcot-Marie-Tooth Neuropathy; Charcot-Marie-Tooth Hereditary Neuropathy. Identifiers: Orphanet 166, MedGen C0007959, MONDO:0015626.
Charcot-Marie-Tooth disease type 2. Also called: Charcot-Marie-Tooth type 2. Identifiers: Orphanet 64746, MedGen C0270914, MONDO:0018993.

Submissions (4):

Labcorp Genetics (formerly Invitae), Labcorp
Classification: Pathogenic for Charcot-Marie-Tooth disease type 2. Last evaluated: 2025-10-06. Review status: criteria provided, single submitter. Criteria: Invitae Variant Classification Sherloc (09022015). Collection method: clinical testing. Allele origin: germline.
Comment: This sequence change replaces aspartic acid, which is acidic and polar, with asparagine, which is neutral and polar, at codon 200 of the GARS protein (p.Asp200Asn). This variant is not present in population databases (gnomAD no frequency). This missense change has been observed in individuals with clinical features of autosomal dominant Charcot-Marie-Tooth disease (PMID: 23279345; internal data). This variant is also known as p.Asp146Asn. ClinVar contains an entry for this variant (Variation ID: 637545). Invitae Evidence Modeling of protein sequence and biophysical properties (such as structural, functional, and spatial information, amino acid conservation, physicochemical variation, residue mobility, and thermodynamic stability) indicates that this missense variant is expected to disrupt GARS protein function with a positive predictive value of 80%. Experimental studies have shown that this missense change affects GARS function (PMID: 25168514). This variant disrupts the p.Asp200 amino acid residue in GARS. Other variant(s) that disrupt this residue have been determined to be pathogenic (PMID: 26244500). This suggests that this residue is clinically significant, and that variants that disrupt this residue are likely to be disease-causing. For these reasons, this variant has been classified as Pathogenic.

ARUP Laboratories, Molecular Genetics and Genomics, ARUP Laboratories
Classification: Likely pathogenic. Last evaluated: 2024-10-02. Review status: criteria provided, single submitter. Criteria: ARUP Molecular Germline Variant Investigation Process 2024. Collection method: clinical testing. Allele origin: germline.
Comment: The GARS1 c.598G>A; p.Asp200Asn variant (rs1554337369, ClinVar Variation ID 637545), also known as p.Asp146Asn, is reported in two individuals from the same family affected with distal hereditary motor neuropathy (Lee 2012, Nam 2022). This variant is absent from the Genome Aggregation Database (v2.1.1), indicating it is not a common polymorphism. Additionally, another amino acid substitution at this codon (c.598G>T; p.Asp200Tyr, also known as p.Asp146Tyr) has also been reported in individuals with Charcot-Marie-Tooth disease (Hsu 2019, Liao 2015). Functional analyses of the p.Asp200Asn variant protein show severely reduced enzymatic activity associated with GARS1 (Griffin 2014). Computational analyses predict that p.Asn200Asp variant is deleterious (REVEL: 0.807). Based on available information, this variant is considered to be likely pathogenic. References: Griffin LB et al. Impaired function is a common feature of neuropathy-associated glycyl-tRNA synthetase mutations. Hum Mutat. 2014 Nov. PMID: 25168514. Hsu YH et al. Mutation spectrum of Charcot-Marie-Tooth disease among the Han Chinese in Taiwan. Ann Clin Transl Neurol. 2019 Jun. PMID: 31211173. Lee HJ et al. Two novel mutations of GARS in Korean families with distal hereditary motor neuropathy type V. J Peripher Nerv Syst. 2012 Dec. PMID: 23279345. Liao YC et al. Two Novel De Novo GARS Mutations Cause Early-Onset Axonal Charcot-Marie-Tooth Disease. PLoS One. 2015 PMID: 26244500. Nam DE et al. Variants of aminoacyl-tRNA synthetase genes in Charcot-Marie-Tooth disease: A Korean cohort study. J Peripher Nerv Syst. 2022 Mar. PMID: 34813128.

Inherited Neuropathy Consortium Ii, University Of Miami
Classification: Uncertain significance for Neuronopathy, distal hereditary motor, type 5. Last evaluated: 2016-01-06. Review status: no assertion criteria provided. Collection method: literature only. Allele origin: germline. Affected: yes. Not counted in ClinVar's aggregate classification.

Inherited Neuropathy Consortium
Classification: Uncertain significance for Charcot-Marie-Tooth disease. Review status: no assertion criteria provided. Collection method: literature only. Allele origin: germline. Affected: yes. Not counted in ClinVar's aggregate classification.

Literature cited by the submitters: PubMed 23279345 (cited by 3 submitters); PubMed 25168514 (cited by Labcorp Genetics (formerly Invitae), Labcorp); PubMed 26244500 (cited by Labcorp Genetics (formerly Invitae), Labcorp).